The following is an entry in ClinVar:

NM_002087.4(GRN):c.265-2A>T

Gene: GRN (granulin precursor; plus strand). Cytogenetic location: 17q21.31.
Variant type: single nucleotide variant.
Coding change: c.265-2A>T on transcript NM_002087.4 (MANE Select); the canonical splice acceptor site of the intron before coding-DNA position 265, A replaced by T.
Molecular consequence: splice acceptor variant.
Genome position (GRCh38, 1-based): chr17:44,349,665, A>T. VCF-style: chr17-44349665-A-T. GRCh37 (hg19) VCF-style: chr17-42427033-A-T.
Identifiers: ClinVar variation 2932432 (VCV002932432.3), dbSNP rs2510054675, ClinGen allele CA399760283.

ClinVar aggregate classification (germline): Likely pathogenic (1 of 4 stars; one submission).

Conditions:
GRN-related frontotemporal lobar degeneration with Tdp43 inclusions (FTD2). Also called: DEMENTIA, HEREDITARY DYSPHASIC DISINHIBITION; FRONTOTEMPORAL LOBAR DEGENERATION WITH UBIQUITIN-POSITIVE INCLUSIONS; FTLD-TDP, GRN-RELATED; GRN Frontotemporal Dementia; FRONTOTEMPORAL DEMENTIA WITH TDP43 INCLUSIONS, GRN-RELATED. Identifiers: Orphanet 100070, Orphanet 282, MedGen C1843792, MONDO:0011842, OMIM 607485. Disease mechanism: loss of function.
Neuronal ceroid lipofuscinosis 11. Also called: GRN-Related Neuronal Ceroid-Lipofuscinosis. Identifiers: Orphanet 314629, Orphanet 79262, MedGen C3539123, MONDO:0013866, OMIM 614706.

Submission:

Labcorp Genetics (formerly Invitae), Labcorp
Classification: Likely pathogenic for Neuronal ceroid lipofuscinosis 11; GRN-related frontotemporal lobar degeneration with Tdp43 inclusions. Last evaluated: 2023-10-06. Review status: criteria provided, single submitter. Criteria: Invitae Variant Classification Sherloc (09022015). Collection method: clinical testing. Allele origin: germline.
Comment: This sequence change affects an acceptor splice site in intron 3 of the GRN gene. It is expected to disrupt RNA splicing. Variants that disrupt the donor or acceptor splice site typically lead to a loss of protein function (PMID: 16199547), and loss-of-function variants in GRN are known to be pathogenic (PMID: 16862116, 16950801, 22608501). This variant is not present in population databases (gnomAD no frequency). This variant has not been reported in the literature in individuals affected with GRN-related conditions. Algorithms developed to predict the effect of sequence changes on RNA splicing suggest that this variant may disrupt the consensus splice site. In summary, the currently available evidence indicates that the variant is pathogenic, but additional data are needed to prove that conclusively. Therefore, this variant has been classified as Likely Pathogenic.

Literature cited by the submitters: PubMed 16199547; PubMed 16862116; PubMed 16950801; PubMed 22608501.